The following is an entry in ClinVar:

NM_001388067.1(MIPOL1):c.330G>A (p.Glu110=)

Gene: MIPOL1 (mirror-image polydactyly 1; plus strand). Cytogenetic location: 14q13.3.
Variant type: single nucleotide variant.
Coding change: c.330G>A on transcript NM_001388067.1 (MANE Select); coding-DNA position 330, G replaced by A.
Protein change: p.Glu110=; no amino-acid change (glutamic acid 110 retained).
Molecular consequence: synonymous variant.
Genome position (GRCh38, 1-based): chr14:37,268,736, G>A. VCF-style: chr14-37268736-G-A. GRCh37 (hg19) VCF-style: chr14-37737941-G-A.
Other names: c.330G>A, p.Glu110= (NM_001195296.2, NM_001195297.2, NM_001388068.1 and 5 more transcripts); c.237G>A, p.Glu79= (NM_001388070.1, NM_001388071.1, NM_001388072.1 and 2 more transcripts).
Identifiers: ClinVar variation 3041905 (VCV003041905.2), dbSNP rs144389122, ClinGen allele CA7159638.
Genomic context (GRCh38, chr14:37,268,736, plus strand): 5'-TAATGATATGCATTATGAATGTATGACTCCTTGTCAAGTTACTTCAGACTCAGATAAAGA[G>A]AAGACAATAGCATTTCTTCTAAAAGAATTGGATATTCTCAGAACAAGCAATAAAAAGGTA-3'
Protein context (NP_001374996.1, residues 100-120): PCQVTSDSDK[Glu110=]KTIAFLLKEL

ClinVar aggregate classification (germline): Likely benign (0 of 4 stars; one submission).

Conditions:
MIPOL1-related disorder. Also called: MIPOL1-related condition.

Allele frequency attached by ClinVar (database versions not stated): ESP Exome Variant Server 0.00169; 1000 Genomes Project 30x 0.00172; gnomAD 0.00172; 1000 Genomes Project 0.00180.
gnomAD v4.1: 1,130 of 1,596,880 alleles (0.071%); highest among the groups gnomAD compares: African/African-American, 0.39%; 1 homozygote.

Submission:

PreventionGenetics, part of Exact Sciences
Classification: Likely benign for MIPOL1-related condition. Last evaluated: 2021-11-05. Review status: no assertion criteria provided. Collection method: clinical testing. Allele origin: germline.
Comment: This variant is classified as likely benign based on ACMG/AMP sequence variant interpretation guidelines (Richards et al. 2015 PMID: 25741868, with internal and published modifications).